The following is an entry in ClinVar:

NM_000836.4(GRIN2D):c.3056C>T (p.Pro1019Leu)

Gene: GRIN2D (glutamate ionotropic receptor NMDA type subunit 2D; plus strand). Cytogenetic location: 19q13.33.
Variant type: single nucleotide variant.
Coding change: c.3056C>T on transcript NM_000836.4 (MANE Select); coding-DNA position 3056, C replaced by T.
Protein change: p.Pro1019Leu; replaces proline 1019 with leucine.
Molecular consequence: missense variant.
Genome position (GRCh38, 1-based): chr19:48,442,982, C>T. VCF-style: chr19-48442982-C-T. GRCh37 (hg19) VCF-style: chr19-48946239-C-T.
Other names: short protein forms P1019L.
Identifiers: ClinVar variation 4698923 (VCV004698923.1).
Genomic context (GRCh38, chr19:48,442,982, plus strand): 5'-CCCCGCAGAAGCCGCCGCCCTCCTATTTCGCCATCGTACGCGACAAGGAGCCAGCCGAGC[C>T]CCCCGCCGGCGCCTTCCCCGGCTTCCCGTCGCCGCCCGCGCCCCCCGCCGCCGCGGCCAC-3'
Protein context (NP_000827.2, residues 1009-1029): AIVRDKEPAE[Pro1019Leu]PAGAFPGFPS

ClinVar aggregate classification (germline): Uncertain significance (1 of 4 stars; one submission).

gnomAD v4.1: 3 of 1,115,894 alleles (0.00027%); highest among the groups gnomAD compares: African/African-American, 0.0017%; no homozygotes.

Submission:

Labcorp Genetics (formerly Invitae), Labcorp
Classification: Uncertain significance. Last evaluated: 2025-04-23. Review status: criteria provided, single submitter. Criteria: Invitae Variant Classification Sherloc (09022015). Collection method: clinical testing. Allele origin: germline.
Comment: This sequence change replaces proline, which is neutral and non-polar, with leucine, which is neutral and non-polar, at codon 1019 of the GRIN2D protein (p.Pro1019Leu). This variant is not present in population databases (gnomAD no frequency). This variant has not been reported in the literature in individuals affected with GRIN2D-related conditions. Invitae Evidence Modeling of protein sequence and biophysical properties (such as structural, functional, and spatial information, amino acid conservation, physicochemical variation, residue mobility, and thermodynamic stability) indicates that this missense variant is not expected to disrupt GRIN2D protein function with a negative predictive value of 95%. In summary, the available evidence is currently insufficient to determine the role of this variant in disease. Therefore, it has been classified as a Variant of Uncertain Significance.